The following is an entry in ClinVar:

NM_025137.4(SPG11):c.5414G>A (p.Arg1805His)

Gene: SPG11 (SPG11 vesicle trafficking associated, spatacsin; minus strand). Cytogenetic location: 15q21.1.
Variant type: single nucleotide variant.
Coding change: c.5414G>A on transcript NM_025137.4 (MANE Select); coding-DNA position 5414, G replaced by A.
Protein change: p.Arg1805His; replaces arginine 1805 with histidine.
Molecular consequence: missense variant.
Genome position (GRCh38, 1-based): chr15:44,584,266, C>T on the plus strand (G>A on the coding strand, the complement: SPG11 is on the minus strand). VCF-style: chr15-44584266-C-T. GRCh37 (hg19) VCF-style: chr15-44876464-C-T.
Other names: c.5414G>A, p.Arg1805His (NM_001160227.2); short protein forms R1805H.
Identifiers: ClinVar variation 466539 (VCV000466539.9), dbSNP rs775768037, ClinGen allele CA7534410.

ClinVar aggregate classification (germline): Uncertain significance. Review status: criteria provided, multiple submitters, no conflicts (2 of 4 stars). 2 submissions from 2 submitters: Uncertain significance (2). Last evaluated 2024-09-06.

Conditions:
Hereditary spastic paraplegia 11. Also called: SPASTIC PARAPLEGIA, AUTOSOMAL RECESSIVE, COMPLICATED, WITH THIN CORPUS CALLOSUM; SPASTIC PARAPLEGIA, AUTOSOMAL RECESSIVE, WITH MENTAL IMPAIRMENT AND THIN CORPUS CALLOSUM; Nakamura Osame syndrome; Autosomal recessive hereditary spastic paraplegia, mental impairment, and thin corpus callosum; Spastic paraplegia, mental retardation and thin corpus callosum; Spastic Paraplegia 11. Identifiers: Orphanet 2822, MedGen C1858479, MONDO:0011445, OMIM 604360.

Allele frequency attached by ClinVar (database versions not stated): TOPMed 0.00002; gnomAD 0.00003.
gnomAD v4.1: 20 of 1,613,722 alleles (0.0012%); highest among the groups gnomAD compares: African/African-American, 0.0053%; no homozygotes.

Submissions (2):

Women's Health and Genetics/Laboratory Corporation of America, LabCorp
Classification: Uncertain significance. Last evaluated: 2024-09-06. Review status: criteria provided, single submitter. Criteria: LabCorp Variant Classification Summary - May 2015. Collection method: clinical testing. Allele origin: germline.
Comment: Variant summary: SPG11 c.5414G>A (p.Arg1805His) results in a non-conservative amino acid change in the encoded protein sequence. Five of five in-silico tools predict a damaging effect of the variant on protein function. The variant allele was found at a frequency of 8e-06 in 251178 control chromosomes. The available data on variant occurrences in the general population are insufficient to allow any conclusion about variant significance. c.5414G>A has been reported in a cohort of individuals affected with amyotrophic lateral sclerosis (e.g., Grassano_2022). However, these report(s) do not provide unequivocal conclusions about association of the variant with SPG11-related conditions. To our knowledge, no experimental evidence demonstrating an impact on protein function has been reported. The following publication has been ascertained in the context of this evaluation (PMID: 35896380). ClinVar contains an entry for this variant (Variation ID: 466539). Based on the evidence outlined above, the variant was classified as uncertain significance.

Labcorp Genetics (formerly Invitae), Labcorp
Classification: Uncertain significance for Hereditary spastic paraplegia 11. Last evaluated: 2022-08-06. Review status: criteria provided, single submitter. Criteria: Invitae Variant Classification Sherloc (09022015). Collection method: clinical testing. Allele origin: germline.
Comment: This sequence change replaces arginine, which is basic and polar, with histidine, which is basic and polar, at codon 1805 of the SPG11 protein (p.Arg1805His). This variant is present in population databases (rs775768037, gnomAD 0.004%). This variant has not been reported in the literature in individuals affected with SPG11-related conditions. ClinVar contains an entry for this variant (Variation ID: 466539). Algorithms developed to predict the effect of missense changes on protein structure and function are either unavailable or do not agree on the potential impact of this missense change (SIFT: "Deleterious"; PolyPhen-2: "Probably Damaging"; Align-GVGD: "Class C0"). In summary, the available evidence is currently insufficient to determine the role of this variant in disease. Therefore, it has been classified as a Variant of Uncertain Significance.

Literature cited by the submitters: PubMed 35896380 (cited by Women's Health and Genetics/Laboratory Corporation of America, LabCorp).